The following is an entry in ClinVar:

NM_198129.4(LAMA3):c.6486C>T (p.Asn2162=)

Gene: LAMA3 (laminin subunit alpha 3; plus strand). Cytogenetic location: 18q11.2.
Variant type: single nucleotide variant.
Coding change: c.6486C>T on transcript NM_198129.4 (MANE Select); coding-DNA position 6486, C replaced by T.
Protein change: p.Asn2162=; no amino-acid change (asparagine 2162 retained).
Molecular consequence: synonymous variant.
Genome position (GRCh38, 1-based): chr18:23,904,565, C>T. VCF-style: chr18-23904565-C-T. GRCh37 (hg19) VCF-style: chr18-21484529-C-T.
Other names: c.1659C>T, p.Asn553= (NM_000227.6); c.6318C>T, p.Asn2106= (NM_001127717.4); c.1491C>T, p.Asn497= (NM_001127718.4).
Identifiers: ClinVar variation 799964 (VCV000799964.13), dbSNP rs185563091, ClinGen allele CA8916389.

ClinVar aggregate classification (germline): Likely benign. Review status: criteria provided, single submitter (1 of 4 stars). 2 submissions from 2 submitters: Likely benign (1). 1 of the submissions does not count toward it. Last evaluated 2024-02-17.

Conditions:
LAMA3-related disorder. Also called: LAMA3-related condition; LAMA3-related disorders.

Allele frequency attached by ClinVar (database versions not stated): gnomAD exomes 0.00001 and 0.00003; TOPMed 0.00003; gnomAD 0.00004; ExAC 0.00006; 1000 Genomes Project 30x 0.00016; 1000 Genomes Project 0.00020.
gnomAD v4.1: 21 of 1,595,882 alleles (0.0013%); highest among the groups gnomAD compares: Admixed American, 0.018%; no homozygotes.

Submissions (2):

Labcorp Genetics (formerly Invitae), Labcorp
Classification: Likely benign. Last evaluated: 2024-02-17. Review status: criteria provided, single submitter. Criteria: Invitae Variant Classification Sherloc (09022015). Collection method: clinical testing. Allele origin: germline.

PreventionGenetics, part of Exact Sciences
Classification: Likely benign for LAMA3-related condition. Last evaluated: 2023-12-11. Review status: no assertion criteria provided. Collection method: clinical testing. Allele origin: germline. Not counted in ClinVar's aggregate classification.
Comment: This variant is classified as likely benign based on ACMG/AMP sequence variant interpretation guidelines (Richards et al. 2015 PMID: 25741868, with internal and published modifications).